The following is an entry in ClinVar:

ClinVar aggregate classification (germline): Uncertain significance. Review status: criteria provided, multiple submitters, no conflicts (2 of 4 stars). 2 submissions from 2 submitters: Uncertain significance (2). Last evaluated 2025-08-31.

Allele frequency attached by ClinVar (database versions not stated): TOPMed 0.00004; gnomAD exomes 0.00001; gnomAD 0.00002; ExAC 0.00003.
gnomAD v4.1: 15 of 1,605,166 alleles (0.00093%); highest among the groups gnomAD compares: East Asian, 0.02%; no homozygotes.

Submissions (2):

Labcorp Genetics (formerly Invitae), Labcorp
Classification: Uncertain significance. Last evaluated: 2025-08-31. Review status: criteria provided, single submitter. Criteria: Invitae Variant Classification Sherloc (09022015). Collection method: clinical testing. Allele origin: germline.
Comment: This sequence change affects codon 659 of the NALCN mRNA. It is a 'silent' change, meaning that it does not change the encoded amino acid sequence of the NALCN protein. It affects a nucleotide within the consensus splice site. This variant is present in population databases (rs778924033, gnomAD 0.04%). This variant has not been reported in the literature in individuals affected with NALCN-related conditions. ClinVar contains an entry for this variant (Variation ID: 2101337). Algorithms developed to predict the effect of sequence changes on RNA splicing suggest that this variant may disrupt the consensus splice site. In summary, the available evidence is currently insufficient to determine the role of this variant in disease. Therefore, it has been classified as a Variant of Uncertain Significance.

GeneDx
Classification: Uncertain significance. Last evaluated: 2023-02-26. Review status: criteria provided, single submitter. Criteria: GeneDx Variant Classification Process June 2021. Collection method: clinical testing. Allele origin: germline. Affected: yes.
Comment: In silico analysis supports a deleterious effect on splicing; Has not been previously published as pathogenic or benign to our knowledge

NM_052867.4(NALCN):c.1977G>A (p.Arg659=)

Gene: NALCN (sodium leak channel, non-selective; minus strand). Cytogenetic location: 13q33.1.
Variant type: single nucleotide variant.
Coding change: c.1977G>A on transcript NM_052867.4 (MANE Select); coding-DNA position 1977, G replaced by A.
Protein change: p.Arg659=; no amino-acid change (arginine 659 retained).
Molecular consequence: synonymous variant.
Genome position (GRCh38, 1-based): chr13:101,143,221, C>T on the plus strand (G>A on the coding strand, the complement: NALCN is on the minus strand). VCF-style: chr13-101143221-C-T. GRCh37 (hg19) VCF-style: chr13-101795572-C-T.
Other names: c.1977G>A (NM_052867.2); c.1977G>A, p.Arg659= (NM_001350748.2, NM_001350749.2); c.1890G>A, p.Arg630= (NM_001350750.2, NM_001350751.2).
Identifiers: ClinVar variation 2101337 (VCV002101337.5), dbSNP rs778924033, ClinGen allele CA7035999.